The following is an entry in ClinVar:

NM_021942.6(TRAPPC11):c.1703G>A (p.Arg568Gln)

Gene: TRAPPC11 (trafficking protein particle complex subunit 11; plus strand). Cytogenetic location: 4q35.1.
Variant type: single nucleotide variant.
Coding change: c.1703G>A on transcript NM_021942.6 (MANE Select); coding-DNA position 1703, G replaced by A.
Protein change: p.Arg568Gln; replaces arginine 568 with glutamine.
Molecular consequence: missense variant.
Genome position (GRCh38, 1-based): chr4:183,685,344, G>A. VCF-style: chr4-183685344-G-A. GRCh37 (hg19) VCF-style: chr4-184606497-G-A.
Other names: c.1703G>A, p.Arg568Gln (NM_199053.3); short protein forms R568Q.
Identifiers: ClinVar variation 642886 (VCV000642886.8), dbSNP rs147516606, ClinGen allele CA3151999.

ClinVar aggregate classification (germline): Uncertain significance. Review status: criteria provided, multiple submitters, no conflicts (2 of 4 stars). 3 submissions from 3 submitters: Uncertain significance (3). Last evaluated 2024-11-06.

Conditions:
Autosomal recessive limb-girdle muscular dystrophy type R18 (LGMDR18). Also called: Autosomal recessive limb-girdle muscular dystrophy type 2S; Limb-girdle muscular dystrophy, type 2S; MUSCULAR DYSTROPHY, LIMB-GIRDLE, AUTOSOMAL RECESSIVE 18. Identifiers: Orphanet 369840, MedGen C4517996, MONDO:0014144, OMIM 615356.

Allele frequency attached by ClinVar (database versions not stated): TOPMed 0.00023; ExAC 0.00027; 1000 Genomes Project 0.00020; 1000 Genomes Project 30x 0.00047; gnomAD 0.00021 and 0.00020; gnomAD exomes 0.00014; ESP Exome Variant Server 0.00038.
gnomAD v4.1: 149 of 1,614,114 alleles (0.0092%); highest among the groups gnomAD compares: African/African-American, 0.067%; no homozygotes.

Submissions (3):

GeneDx
Classification: Uncertain significance. Last evaluated: 2024-11-06. Review status: criteria provided, single submitter. Criteria: GeneDx Variant Classification Process June 2021. Collection method: clinical testing. Allele origin: germline. Affected: yes.
Comment: In silico analysis indicates that this missense variant does not alter protein structure/function; Has not been previously published as pathogenic or benign to our knowledge

Revvity Omics, Revvity
Classification: Uncertain significance for Autosomal recessive limb-girdle muscular dystrophy type R18. Last evaluated: 2023-10-24. Review status: criteria provided, single submitter. Criteria: ACMG Guidelines, 2015. Collection method: clinical testing. Allele origin: germline.

Labcorp Genetics (formerly Invitae), Labcorp
Classification: Uncertain significance for Autosomal recessive limb-girdle muscular dystrophy type R18. Last evaluated: 2022-11-01. Review status: criteria provided, single submitter. Criteria: Invitae Variant Classification Sherloc (09022015). Collection method: clinical testing. Allele origin: germline.
Comment: This sequence change replaces arginine, which is basic and polar, with glutamine, which is neutral and polar, at codon 568 of the TRAPPC11 protein (p.Arg568Gln). This variant is present in population databases (rs147516606, gnomAD 0.04%). This variant has not been reported in the literature in individuals affected with TRAPPC11-related conditions. ClinVar contains an entry for this variant (Variation ID: 642886). Advanced modeling of protein sequence and biophysical properties (such as structural, functional, and spatial information, amino acid conservation, physicochemical variation, residue mobility, and thermodynamic stability) performed at Invitae indicates that this missense variant is not expected to disrupt TRAPPC11 protein function. In summary, the available evidence is currently insufficient to determine the role of this variant in disease. Therefore, it has been classified as a Variant of Uncertain Significance.